The following is an entry in ClinVar:

ClinVar aggregate classification (germline): Likely pathogenic (1 of 4 stars; one submission).

Conditions:
Dilated cardiomyopathy 1G (CMD1G). Identifiers: Orphanet 154, MedGen C1858763, MONDO:0011400, OMIM 604145.
Autosomal recessive limb-girdle muscular dystrophy type 2J (LGMDR10). Also called: Limb-girdle muscular dystrophy, type 2J; MUSCULAR DYSTROPHY, LIMB-GIRDLE, AUTOSOMAL RECESSIVE 10. Identifiers: Orphanet 140922, MedGen C1837342, MONDO:0012127, OMIM 608807.

Submission:

Labcorp Genetics (formerly Invitae), Labcorp
Classification: Likely pathogenic for Dilated cardiomyopathy 1G; Autosomal recessive limb-girdle muscular dystrophy type 2J. Last evaluated: 2023-07-08. Review status: criteria provided, single submitter. Criteria: Invitae Variant Classification Sherloc (09022015). Collection method: clinical testing. Allele origin: germline.
Comment: This variant has not been reported in the literature in individuals affected with TTN-related conditions. This variant is located in the A band of TTN (PMID: 25589632). Truncating variants in this region are significantly overrepresented in patients affected with dilated cardiomyopathy (PMID: 25589632). Truncating variants in this region have also been reported in individuals affected with autosomal recessive centronuclear myopathy (PMID: 23975875). In summary, the currently available evidence indicates that the variant is pathogenic, but additional data are needed to prove that conclusively. Therefore, this variant has been classified as Likely Pathogenic. This variant is not present in population databases (gnomAD no frequency). This sequence change creates a premature translational stop signal (p.Cys20881Phefs*19) in the TTN gene. While this is not anticipated to result in nonsense mediated decay, it is expected to create a truncated TTN protein.

Literature cited by the submitters: PubMed 25589632; PubMed 23975875.

NM_001267550.2(TTN):c.62642_62648del (p.Cys20881fs)

Genes: TTN-AS1 (TTN antisense RNA 1; plus strand), TTN (titin; minus strand). Cytogenetic location: 2q31.2.
Variant type: Deletion.
Coding change: c.62642_62648del on transcript NM_001267550.2 (MANE Select); coding-DNA positions 62642 to 62648, 7 bases deleted (GTACTGT; older notation c.62642_62648delGTACTGT).
Protein change: p.Cys20881fs; shifts the reading frame from cysteine 20881.
Molecular consequence: frameshift variant.
Genome position (GRCh38, 1-based): chr2:178,589,077-178,589,083, ACAGTAC deleted on the plus strand (GTACTGT on the coding strand, the reverse complement: TTN is on the minus strand); deleting any 7 consecutive bases within chr2:178,589,077-178,589,085 gives the same sequence; the c. name uses the placement nearest the transcript's 3' end. VCF-style (leftmost placement, unchanged base first): chr2-178589076-AACAGTAC-A. GRCh37 (hg19) VCF-style: chr2-179453803-AACAGTAC-A.
Other names: c.57719_57725del, p.Cys19240fs (NM_001256850.1); c.35447_35453del, p.Cys11816fs (NM_003319.4); c.54938_54944del, p.Cys18313fs (NM_133378.4); c.35822_35828del, p.Cys11941fs (NM_133432.3); c.36023_36029del, p.Cys12008fs (NM_133437.4); short protein forms C11816fs, C11941fs, C12008fs, C18313fs, C20881fs, C19240fs.
Identifiers: ClinVar variation 2927995 (VCV002927995.3), dbSNP rs2469376996, ClinGen allele CA2662130825.